The following is an entry in ClinVar:

NM_194454.3(KRIT1):c.947A>C (p.Gln316Pro)

Gene: KRIT1 (KRIT1 ankyrin repeat containing; minus strand). Cytogenetic location: 7q21.2.
Variant type: single nucleotide variant.
Coding change: c.947A>C on transcript NM_194454.3 (MANE Select); coding-DNA position 947, A replaced by C.
Protein change: p.Gln316Pro; replaces glutamine 316 with proline.
Molecular consequence: missense variant. On other transcripts: intron variant (3).
Genome position (GRCh38, 1-based): chr7:92,234,491, T>G on the plus strand (A>C on the coding strand, the complement: KRIT1 is on the minus strand). VCF-style: chr7-92234491-T-G. GRCh37 (hg19) VCF-style: chr7-91863805-T-G.
Other names: c.233A>C, p.Gln78Pro (NM_001350671.1); c.947A>C, p.Gln316Pro (NM_001350672.1, NM_001350673.1, NM_001350674.1 and 26 more transcripts); c.845+317A>C (NM_001350669.1, NM_001013406.2, NM_001350670.1); short protein forms Q316P, Q78P.
Identifiers: ClinVar variation 1767082 (VCV001767082.3), dbSNP rs746338208, ClinGen allele CA4339264.
Genomic context (GRCh38, chr7:92,234,491, plus strand): 5'-AATAAATATTCCATTTACCAGCATGCATAATGAATGGGTGCCCAGTGGTCACTATCTAAC[T>G]GGTTGACTGAAAATCTTTCACTGAGAAGACGGCTTAGTAATTCTGAATCTCCTTCACAGG-3'
Protein context (NP_919436.1, residues 306-326): RLLSERFSVN[Gln316Pro]LDSDHWAPIH

ClinVar aggregate classification (germline): Uncertain significance. Review status: criteria provided, multiple submitters, no conflicts (2 of 4 stars). 2 submissions from 2 submitters: Uncertain significance (2). Last evaluated 2024-11-25.

Conditions:
Inborn genetic diseases. Identifiers: MedGen C0950123, MeSH D030342.
Cerebral cavernous malformation (CCM). Also called: Cerebral cavernous hemangioma (type); CAVERNOUS ANGIOMA, FAMILIAL; CAVERNOUS ANGIOMATOUS MALFORMATIONS; CEREBRAL CAPILLARY MALFORMATIONS; Cavernous Hemangioma of Brain; Cerebral cavernous malformations. Identifiers: Orphanet 221061, MedGen C2919945, MONDO:0000820, OMIM 116860, HP:0033522.

Allele frequency attached by ClinVar (database versions not stated): TOPMed below 0.00001; ExAC 0.00001; gnomAD 0.00001.
gnomAD v4.1: 10 of 1,610,928 alleles (0.00062%); highest among the groups gnomAD compares: Non-Finnish European, 0.00076%; no homozygotes.

Submissions (2):

Clinical Genomics Laboratory, Washington University in St. Louis
Classification: Uncertain significance for Cerebral cavernous malformation. Last evaluated: 2024-11-25. Review status: criteria provided, single submitter. Criteria: ACMG Guidelines, 2015. Collection method: clinical testing. Allele origin: germline.
Comment: A KRIT1 c.947A>C (p.Gln316Pro) variant was identified at a heterozygous allelic fraction of 50.7%, a frequency that may be consistent with germline origin. This variant, to our knowledge, has not been reported in the medical literature. It has been reported in the ClinVar database as a germline variant of uncertain significance by one submitter (ClinVar Variation ID: 1767082). The KRIT1 c.947A>C (p.Gln316Pro) variant is only observed on 10/1,610,928 alleles in the general population (gnomAD v.4.1.0), indicating it is not a common variant. Computational predictors are uncertain as to the impact of this variant on the KRIT1 function. Due to limited information, and based on ACMG/AMP guidelines for variant interpretation (Richards S et al., PMID: 25741868), the clinical significance of this variant is uncertain at this time.

Ambry Genetics
Classification: Uncertain significance for Inborn genetic diseases. Last evaluated: 2022-07-17. Review status: criteria provided, single submitter. Criteria: Ambry Variant Classification Scheme 2023. Collection method: clinical testing. Allele origin: germline.
Comment: The p.Q316P variant (also known as c.947A>C), located in coding exon 7 of the KRIT1 gene, results from an A to C substitution at nucleotide position 947. The glutamine at codon 316 is replaced by proline, an amino acid with similar properties. This amino acid position is conserved. In addition, this alteration is predicted to be deleterious by in silico analysis. Since supporting evidence is limited at this time, the clinical significance of this alteration remains unclear.